The following is an entry in ClinVar:

NM_017763.6(RNF43):c.1304T>A (p.Leu435Gln)

Gene: RNF43 (ring finger protein 43; minus strand). Cytogenetic location: 17q22.
Variant type: single nucleotide variant.
Coding change: c.1304T>A on transcript NM_017763.6 (MANE Select); coding-DNA position 1304, T replaced by A.
Protein change: p.Leu435Gln; replaces leucine 435 with glutamine.
Molecular consequence: missense variant.
Genome position (GRCh38, 1-based): chr17:58,358,472, A>T on the plus strand (T>A on the coding strand, the complement: RNF43 is on the minus strand). VCF-style: chr17-58358472-A-T. GRCh37 (hg19) VCF-style: chr17-56435833-A-T.
Other names: c.1304T>A, p.Leu435Gln (NM_001305544.3); c.923T>A, p.Leu308Gln (NM_001305545.2); short protein forms L308Q, L435Q.
Identifiers: ClinVar variation 3946852 (VCV003946852.1).

ClinVar aggregate classification (germline): Uncertain significance (1 of 4 stars; one submission).

Submission:

Ambry Genetics
Classification: Uncertain significance. Last evaluated: 2025-04-11. Review status: criteria provided, single submitter. Criteria: Ambry Variant Classification Scheme 2023. Collection method: clinical testing. Allele origin: germline.
Comment: The p.L435Q variant (also known as c.1304T>A), located in coding exon 8 of the RNF43 gene, results from a T to A substitution at nucleotide position 1304. The leucine at codon 435 is replaced by glutamine, an amino acid with dissimilar properties. This amino acid position is conserved. In addition, this alteration is predicted to be tolerated by in silico analysis. Based on the available evidence, the clinical significance of this variant remains unclear.